The following is an entry in ClinVar:

ClinVar aggregate classification (germline): Uncertain significance. Review status: criteria provided, multiple submitters, no conflicts (2 of 4 stars). 3 submissions from 3 submitters: Uncertain significance (3). Last evaluated 2025-03-19.

Conditions:
Nephronophthisis. Also called: Juvenile Nephronophthisis. Identifiers: Orphanet 655, MedGen C0687120, MONDO:0019005, HP:0000090.
Inborn genetic diseases. Identifiers: MedGen C0950123, MeSH D030342.
Nephronophthisis 3 (NPHP3). Also called: Adolescent nephronophthisis. Identifiers: Orphanet 655, MedGen C1858392, MONDO:0011456, OMIM 604387.
Renal-hepatic-pancreatic dysplasia 1 (RHPD1). Identifiers: MedGen C3715199, MONDO:0008833, OMIM 208540.
NPHP3-related Meckel-like syndrome. Also called: GOLDSTON SYNDROME; Meckel syndrome type 7. Identifiers: Orphanet 3032, MedGen C2673885, MONDO:0009966, OMIM 267010.

Allele frequency attached by ClinVar (database versions not stated): gnomAD exomes 0.00003 and 0.00009; ExAC 0.00004; gnomAD 0.00005 and 0.00006; TOPMed 0.00005.
gnomAD v4.1: 129 of 1,614,062 alleles (0.008%); highest among the groups gnomAD compares: Non-Finnish European, 0.01%; no homozygotes.

Submissions (3):

Ambry Genetics
Classification: Uncertain significance for Inborn genetic diseases. Last evaluated: 2025-03-19. Review status: criteria provided, single submitter. Criteria: Ambry Variant Classification Scheme 2023. Collection method: clinical testing. Allele origin: germline.

Labcorp Genetics (formerly Invitae), Labcorp
Classification: Uncertain significance for Nephronophthisis. Last evaluated: 2022-07-12. Review status: criteria provided, single submitter. Criteria: Invitae Variant Classification Sherloc (09022015). Collection method: clinical testing. Allele origin: germline.
Comment: This variant has not been reported in the literature in individuals affected with NPHP3-related conditions. This sequence change replaces isoleucine, which is neutral and non-polar, with valine, which is neutral and non-polar, at codon 625 of the NPHP3 protein (p.Ile625Val). This variant is present in population databases (rs745831184, gnomAD 0.007%). ClinVar contains an entry for this variant (Variation ID: 1026108). Algorithms developed to predict the effect of missense changes on protein structure and function are either unavailable or do not agree on the potential impact of this missense change (SIFT: "Deleterious"; PolyPhen-2: "Benign"; Align-GVGD: "Class C25"). In summary, the available evidence is currently insufficient to determine the role of this variant in disease. Therefore, it has been classified as a Variant of Uncertain Significance.

Fulgent Genetics
Classification: Uncertain significance for Renal-hepatic-pancreatic dysplasia 1; NPHP3-related Meckel-like syndrome; Nephronophthisis 3. Last evaluated: 2022-01-09. Review status: criteria provided, single submitter. Criteria: ACMG Guidelines, 2015. Collection method: clinical testing. Allele origin: unknown.

NM_153240.5(NPHP3):c.1873A>G (p.Ile625Val)

Genes: NPHP3 (nephrocystin 3; minus strand), NPHP3-ACAD11 (NPHP3-ACAD11 readthrough (NMD candidate); minus strand). Cytogenetic location: 3q22.1.
Variant type: single nucleotide variant.
Coding change: c.1873A>G on transcript NM_153240.5 (MANE Select); coding-DNA position 1873, A replaced by G.
Protein change: p.Ile625Val; replaces isoleucine 625 with valine.
Molecular consequence: missense variant. On other transcripts: non-coding transcript variant (1).
Genome position (GRCh38, 1-based): chr3:132,699,932, T>C on the plus strand (A>G on the coding strand, the complement: NPHP3 is on the minus strand). VCF-style: chr3-132699932-T-C. GRCh37 (hg19) VCF-style: chr3-132418776-T-C.
Other names: c.1873A>G (NM_153240.4); short protein forms I625V.
Identifiers: ClinVar variation 1026108 (VCV001026108.7), dbSNP rs745831184, ClinGen allele CA2622188.